The following is an entry in ClinVar:

ClinVar aggregate classification (germline): Likely pathogenic (1 of 4 stars; one submission).

Submission:

GeneDx
Classification: Likely pathogenic. Last evaluated: 2016-06-06. Review status: criteria provided, single submitter. Criteria: GeneDx Variant Classification (06012015). Collection method: clinical testing. Allele origin: germline. Affected: yes.
Comment: The V418G variant in the MYBPC1 gene has not been reported previously as a pathogenic variant, nor as a benign variant, to our knowledge. This variant was not observed in approximately 6500 individuals of European and African American ancestry in the NHLBI Exome Sequencing Project, indicating it is not a common benign variant in these populations. The V418G variant is a conservative amino acid substitution, which is not likely to impact secondary protein structure as these residues share similar properties. However, this substitution occurs at a position that is conserved in mammals. In silico analysis is inconsistent in its predictions as to whether or not the variant is damaging to the protein structure/function. As an alternate mechanism, some splice predictor models indicate that this sequence change may create a new cryptic splice donor site for intron 15, which may cause abnormal gene splicing; however, in the absence of RNA/functional studies, the actual effect of this sequence change in this individual is unknown. The V418G variant is a strong candidate for a pathogenic variant

NM_002465.4(MYBPC1):c.1253T>G (p.Val418Gly)

Genes: MYBPC1 (myosin binding protein C1; plus strand), LOC105369937 (uncharacterized LOC105369937; minus strand). Cytogenetic location: 12q23.2.
Variant type: single nucleotide variant.
Coding change: c.1253T>G on transcript NM_002465.4 (MANE Select); coding-DNA position 1253, T replaced by G.
Protein change: p.Val418Gly; replaces valine 418 with glycine.
Molecular consequence: missense variant.
Genome position (GRCh38, 1-based): chr12:101,649,316, T>G. VCF-style: chr12-101649316-T-G. GRCh37 (hg19) VCF-style: chr12-102043094-T-G.
Other names: c.1178T>G, p.Val393Gly (NM_001254719.3, NM_001254718.3, NM_206820.4 and 1 more transcripts); c.1121T>G, p.Val374Gly (NM_001404678.1, NM_001254721.3, NM_001404676.1); c.1043T>G, p.Val348Gly (NM_001404679.1, NM_001404681.1, NM_001404677.1); c.1100T>G, p.Val367Gly (NM_001404680.1, NM_001254722.3); c.1142T>G, p.Val381Gly (NM_001254720.3); c.1253T>G, p.Val418Gly (NM_206819.4, NM_001404675.1); c.1139T>G, p.Val380Gly (NM_001254723.3); short protein forms V418G, V367G, V381G, V374G, V380G, V393G, V348G.
Identifiers: ClinVar variation 421282 (VCV000421282.4), dbSNP rs1064795032, ClinGen allele CA16619422.